The following is an entry in ClinVar:

ClinVar aggregate classification (germline): Uncertain significance (1 of 4 stars; one submission).

Conditions:
Inflammatory bowel disease 25. Also called: Inflammatory bowel disease 25, early onset, autosomal recessive. Identifiers: Orphanet 238569, MedGen C2675508, MONDO:0012941, OMIM 612567.

Allele frequency attached by ClinVar (database versions not stated): TOPMed below 0.00001.
gnomAD v4.1: 1 of 1,542,226 alleles (0.000065%); highest among the groups gnomAD compares: Non-Finnish European, 0.000087%; no homozygotes.

Submission:

Labcorp Genetics (formerly Invitae), Labcorp
Classification: Uncertain significance for Inflammatory bowel disease 25. Last evaluated: 2022-09-19. Review status: criteria provided, single submitter. Criteria: Invitae Variant Classification Sherloc (09022015). Collection method: clinical testing. Allele origin: germline.
Comment: Algorithms developed to predict the effect of missense changes on protein structure and function are either unavailable or do not agree on the potential impact of this missense change (SIFT: "Tolerated"; PolyPhen-2: "Not Available"; Align-GVGD: "Class C0"). Algorithms developed to predict the effect of sequence changes on RNA splicing suggest that this variant may create or strengthen a splice site. In summary, the available evidence is currently insufficient to determine the role of this variant in disease. Therefore, it has been classified as a Variant of Uncertain Significance. This sequence change replaces alanine, which is neutral and non-polar, with valine, which is neutral and non-polar, at codon 2 of the IL10RB protein (p.Ala2Val). The frequency data for this variant in the population databases is considered unreliable, as metrics indicate poor data quality at this position in the gnomAD database. This variant has not been reported in the literature in individuals affected with IL10RB-related conditions.

NM_000628.5(IL10RB):c.5C>T (p.Ala2Val)

Genes: IFNAR2-IL10RB (IFNAR2-IL10RB readthrough; plus strand), IL10RB (interleukin 10 receptor subunit beta; plus strand), LOC130066558 (ATAC-STARR-seq lymphoblastoid silent region 13254; plus strand). Cytogenetic location: 21q22.11.
Variant type: single nucleotide variant.
Coding change: c.5C>T on transcript NM_000628.5 (MANE Select); coding-DNA position 5, C replaced by T.
Protein change: p.Ala2Val; replaces alanine 2 with valine.
Molecular consequence: missense variant.
Genome position (GRCh38, 1-based): chr21:33,266,470, C>T. VCF-style: chr21-33266470-C-T. GRCh37 (hg19) VCF-style: chr21-34638775-C-T.
Other names: c.5C>T, p.Ala2Val (NM_001405849.1, NM_001405850.1, NM_001406840.1); short protein forms A2V.
Identifiers: ClinVar variation 2094746 (VCV002094746.4), dbSNP rs1165667595, ClinGen allele CA410106735.